The following is an entry in ClinVar:

NM_001197104.2(KMT2A):c.8347A>G (p.Met2783Val)

Gene: KMT2A (lysine methyltransferase 2A; plus strand). Cytogenetic location: 11q23.3.
Variant type: single nucleotide variant.
Coding change: c.8347A>G on transcript NM_001197104.2 (MANE Select); coding-DNA position 8347, A replaced by G.
Protein change: p.Met2783Val; replaces methionine 2783 with valine.
Molecular consequence: missense variant.
Genome position (GRCh38, 1-based): chr11:118,504,239, A>G. VCF-style: chr11-118504239-A-G. GRCh37 (hg19) VCF-style: chr11-118374954-A-G.
Other names: c.8338A>G, p.Met2780Val (NM_005933.4); short protein forms M2780V, M2783V.
Identifiers: ClinVar variation 1308007 (VCV001308007.2), dbSNP rs2134398154, ClinGen allele CA382813062.

ClinVar aggregate classification (germline): Uncertain significance (1 of 4 stars; one submission).

Submission:

GeneDx
Classification: Uncertain significance. Last evaluated: 2019-08-21. Review status: criteria provided, single submitter. Criteria: GeneDx Variant Classification Process June 2021. Collection method: clinical testing. Allele origin: germline. Affected: yes.
Comment: Not observed in large population cohorts (Lek et al., 2016); In silico analysis, which includes protein predictors and evolutionary conservation, supports that this variant does not alter protein structure/function; Has not been previously published as pathogenic or benign to our knowledge